The following is an entry in ClinVar:

NM_205836.3(FBXO38):c.2387G>A (p.Arg796His)

Gene: FBXO38 (F-box protein 38; plus strand). Cytogenetic location: 5q32.
Variant type: single nucleotide variant.
Coding change: c.2387G>A on transcript NM_205836.3 (MANE Select); coding-DNA position 2387, G replaced by A.
Protein change: p.Arg796His; replaces arginine 796 with histidine.
Molecular consequence: missense variant. On other transcripts: intron variant (1).
Genome position (GRCh38, 1-based): chr5:148,427,681, G>A. VCF-style: chr5-148427681-G-A. GRCh37 (hg19) VCF-style: chr5-147807244-G-A.
Other names: c.2387G>A, p.Arg796His (NM_030793.5); c.1918+1980G>A (NM_001271723.2); short protein forms R796H.
Identifiers: ClinVar variation 3705881 (VCV003705881.2).

ClinVar aggregate classification (germline): Uncertain significance (1 of 4 stars; one submission).

Conditions:
Distal hereditary motor neuropathy type 2. Identifiers: Orphanet 139525, MedGen C3711384, MeSH C580044, MONDO:0015352.

gnomAD v4.1: 18 of 1,614,078 alleles (0.0011%); highest among the groups gnomAD compares: Non-Finnish European, 0.0012%; no homozygotes.

Submission:

Labcorp Genetics (formerly Invitae), Labcorp
Classification: Uncertain significance for Distal hereditary motor neuropathy type 2. Last evaluated: 2024-10-27. Review status: criteria provided, single submitter. Criteria: Invitae Variant Classification Sherloc (09022015). Collection method: clinical testing. Allele origin: germline.
Comment: This sequence change replaces arginine, which is basic and polar, with histidine, which is basic and polar, at codon 796 of the FBXO38 protein (p.Arg796His). This variant is present in population databases (rs765335278, gnomAD 0.004%). This variant has not been reported in the literature in individuals affected with FBXO38-related conditions. Invitae Evidence Modeling of protein sequence and biophysical properties (such as structural, functional, and spatial information, amino acid conservation, physicochemical variation, residue mobility, and thermodynamic stability) indicates that this missense variant is not expected to disrupt FBXO38 protein function with a negative predictive value of 80%. In summary, the available evidence is currently insufficient to determine the role of this variant in disease. Therefore, it has been classified as a Variant of Uncertain Significance.